The following is an entry in ClinVar:

NM_001243279.3(ACSF3):c.1104del (p.Thr369fs)

Genes: ACSF3 (acyl-CoA synthetase family member 3; plus strand), LOC125177393 (P300/CBP strongly-dependent group 1 enhancer GRCh37_chr16:89180375-89181574; plus strand). Cytogenetic location: 16q24.3.
Variant type: Deletion.
Coding change: c.1104del on transcript NM_001243279.3 (MANE Select); coding-DNA position 1104, one base deleted (G; older notation c.1104delG).
Protein change: p.Thr369fs; shifts the reading frame from threonine 369.
Molecular consequence: frameshift variant. On other transcripts: non-coding transcript variant (2).
Genome position (GRCh38, 1-based): chr16:89,114,465, G deleted. VCF-style (leftmost placement, unchanged base first): chr16-89114464-TG-T. GRCh37 (hg19) VCF-style: chr16-89180872-TG-T.
Other names: c.1104del, p.Thr369fs (NM_001127214.4, NM_174917.5); c.309del, p.Thr104fs (NM_001284316.2); short protein forms T369fs, T104fs.
Identifiers: ClinVar variation 1457547 (VCV001457547.6), dbSNP rs769183050, ClinGen allele CA8237966.

ClinVar aggregate classification (germline): Pathogenic (1 of 4 stars; one submission).

Conditions:
Combined malonic and methylmalonic acidemia. Identifiers: Orphanet 289504, MedGen C3280314, MONDO:0013661, OMIM 614265.

Allele frequency attached by ClinVar (database versions not stated): gnomAD exomes below 0.00001; ExAC 0.00001.

Submission:

Labcorp Genetics (formerly Invitae), Labcorp
Classification: Pathogenic for Combined malonic and methylmalonic acidemia. Last evaluated: 2025-09-17. Review status: criteria provided, single submitter. Criteria: Invitae Variant Classification Sherloc (09022015). Collection method: clinical testing. Allele origin: germline.
Comment: This sequence change creates a premature translational stop signal (p.Thr369Profs*46) in the ACSF3 gene. It is expected to result in an absent or disrupted protein product. Loss-of-function variants in ACSF3 are known to be pathogenic (PMID: 21841779, 26827111). This variant is present in population databases (rs769183050, gnomAD 0.01%). This variant has not been reported in the literature in individuals affected with ACSF3-related conditions. ClinVar contains an entry for this variant (Variation ID: 1457547). For these reasons, this variant has been classified as Pathogenic.

Literature cited by the submitters: PubMed 21841779; PubMed 26827111.